The following is an entry in ClinVar:

ClinVar aggregate classification (germline): Uncertain significance (1 of 4 stars; one submission).

gnomAD v4.1: 9 of 1,580,756 alleles (0.00057%); highest among the groups gnomAD compares: Non-Finnish European, 0.00077%; no homozygotes.

Submission:

Labcorp Genetics (formerly Invitae), Labcorp
Classification: Uncertain significance. Last evaluated: 2023-08-17. Review status: criteria provided, single submitter. Criteria: Invitae Variant Classification Sherloc (09022015). Collection method: clinical testing. Allele origin: germline.
Comment: This sequence change replaces proline, which is neutral and non-polar, with serine, which is neutral and polar, at codon 413 of the PEPD protein (p.Pro413Ser). The frequency data for this variant in the population databases is considered unreliable, as metrics indicate poor data quality at this position in the gnomAD database. This variant has not been reported in the literature in individuals affected with PEPD-related conditions. Advanced modeling of protein sequence and biophysical properties (such as structural, functional, and spatial information, amino acid conservation, physicochemical variation, residue mobility, and thermodynamic stability) performed at Invitae indicates that this missense variant is expected to disrupt PEPD protein function. In summary, the available evidence is currently insufficient to determine the role of this variant in disease. Therefore, it has been classified as a Variant of Uncertain Significance.

NM_000285.4(PEPD):c.1237C>T (p.Pro413Ser)

Gene: PEPD (peptidase D; minus strand). Cytogenetic location: 19q13.11.
Variant type: single nucleotide variant.
Coding change: c.1237C>T on transcript NM_000285.4 (MANE Select); coding-DNA position 1237, C replaced by T.
Protein change: p.Pro413Ser; replaces proline 413 with serine.
Molecular consequence: missense variant.
Genome position (GRCh38, 1-based): chr19:33,387,997, G>A on the plus strand (C>T on the coding strand, the complement: PEPD is on the minus strand). VCF-style: chr19-33387997-G-A. GRCh37 (hg19) VCF-style: chr19-33878903-G-A.
Other names: c.1114C>T, p.Pro372Ser (NM_001166056.2); c.1045C>T, p.Pro349Ser (NM_001166057.2); short protein forms P349S, P413S, P372S.
Identifiers: ClinVar variation 2901875 (VCV002901875.1), dbSNP rs1370705324, ClinGen allele CA405220638.